The following is an entry in ClinVar:

NC_000009.12:g.(95240744_95247431)_(95317709_?)del

Gene: FANCC (FA complementation group C; minus strand). Cytogenetic location: 9q22.32.
Variant type: Deletion.
Identifiers: ClinVar variation 929801 (VCV000929801.1).

ClinVar aggregate classification (germline): Pathogenic (0 of 4 stars; one submission).

Conditions:
Fanconi anemia complementation group C (FANCC). Also called: Fanconi anemia, group C; FANCC-Related Fanconi Anemia; FANCONI PANCYTOPENIA, TYPE 3; FACC. Identifiers: Orphanet 84, MedGen C3468041, MONDO:0009213, OMIM 227645.

Submission:

Leiden Open Variation Database
Classification: Pathogenic for Fanconi anemia complementation group C. Last evaluated: 2020-02-28. Review status: no assertion criteria provided. Collection method: curation. Allele origin: germline. Affected: yes.
Comment: Curator: Arleen D. Auerbach. Submitter to LOVD: Arleen D. Auerbach.